The following is an entry in ClinVar:

ClinVar aggregate classification (germline): Benign/Likely benign. Review status: criteria provided, multiple submitters, no conflicts (2 of 4 stars). 20 submissions from 19 submitters: Benign (13); Likely benign (1). 6 of the submissions do not count toward it. Last evaluated 2026-02-04.

Conditions:
Hereditary cancer-predisposing syndrome. Also called: Tumor predisposition; Hereditary neoplastic syndrome; Neoplastic Syndromes, Hereditary; Hereditary Cancer Syndrome. Identifiers: Orphanet 140162, MedGen C0027672, MeSH D009386, MONDO:0015356.
Breast and/or ovarian cancer. Identifiers: MedGen CN221562.
Breast-ovarian cancer, familial, susceptibility to, 3. Also called: RAD51C-Related Breast/Ovarian Cancer. Identifiers: Orphanet 145, MedGen C3150659, MONDO:0013253, OMIM 613399.
Fanconi anemia complementation group O. Also called: RAD51C-Related Fanconi Anemia. Identifiers: Orphanet 84, MedGen C3150653, MONDO:0013248, OMIM 613390.
Malignant tumor of breast. Also called: Malignant breast neoplasm; Cancer breast. Identifiers: MedGen C0006142, MONDO:0007254. Disease mechanism: loss of function.

Allele frequency attached by ClinVar (database versions not stated): ESP Exome Variant Server 0.00046; gnomAD exomes 0.00087 and 0.00303; gnomAD 0.00105 and 0.00142; TOPMed 0.00176; ExAC 0.00292; 1000 Genomes Project 30x 0.00765; 1000 Genomes Project 0.00819.
gnomAD v4.1: 1,477 of 1,614,146 alleles (0.092%); highest among the groups gnomAD compares: East Asian, 3%; 30 homozygotes.

Submissions (20):

Labcorp Genetics (formerly Invitae), Labcorp
Classification: Benign for Fanconi anemia complementation group O. Last evaluated: 2026-02-04. Review status: criteria provided, single submitter. Criteria: Invitae Variant Classification Sherloc (09022015). Collection method: clinical testing. Allele origin: germline.

Quest Diagnostics Nichols Institute San Juan Capistrano
Classification: Benign. Last evaluated: 2025-09-15. Review status: criteria provided, single submitter. Criteria: Quest Diagnostics criteria. Collection method: clinical testing. Allele origin: unknown.

ARUP Laboratories, Molecular Genetics and Genomics, ARUP Laboratories
Classification: Benign. Last evaluated: 2025-07-28. Review status: criteria provided, single submitter. Criteria: ARUP Molecular Germline Variant Investigation Process 2024. Collection method: clinical testing. Allele origin: germline.

Center for Genomic Medicine, Rigshospitalet, Copenhagen University Hospital
Classification: Benign. Last evaluated: 2025-03-04. Review status: criteria provided, single submitter. Criteria: ACMG Guidelines, 2015. Collection method: clinical testing. Allele origin: germline.

Mayo Clinic Laboratories, Mayo Clinic
Classification: Benign. Last evaluated: 2025-01-10. Review status: criteria provided, single submitter. Criteria: ACMG Guidelines, 2015. Collection method: clinical testing. Allele origin: germline. Observed: 1 variant allele.
Comment: BS1, BS2, BP4, BP7

Hereditary Cancer Laboratory, Hospital Universitario 12 de Octubre
Classification: Likely benign for Hereditary cancer-predisposing syndrome. Last evaluated: 2024-03-12. Review status: criteria provided, single submitter. Criteria: ACMG Guidelines, 2015. Collection method: clinical testing. Allele origin: germline.
Comment: BP4+BP7

KCCC/NGS Laboratory, Kuwait Cancer Control Center
Classification: Benign for Breast-ovarian cancer, familial, susceptibility to, 3. Last evaluated: 2023-07-07. Review status: criteria provided, single submitter. Criteria: ACMG Guidelines, 2015. Collection method: clinical testing. Allele origin: germline. Affected: yes.

Myriad Genetics, Inc.
Classification: Benign for Breast-ovarian cancer, familial, susceptibility to, 3. Last evaluated: 2023-04-05. Review status: criteria provided, single submitter. Criteria: Myriad Autosomal Dominant, Autosomal Recessive and X-Linked Classification Criteria (2023). Collection method: clinical testing. Allele origin: unknown.
Comment: This variant is considered benign. This variant is a silent/synonymous amino acid change and it is not expected to impact splicing.

CHEO Genetics Diagnostic Laboratory, Children's Hospital of Eastern Ontario
Classification: Benign for Breast and/or ovarian cancer. Last evaluated: 2021-11-09. Review status: criteria provided, single submitter. Criteria: ACMG Guidelines, 2015. Collection method: clinical testing. Allele origin: germline.

Genetic Services Laboratory, University of Chicago
Classification: Benign. Last evaluated: 2021-04-16. Review status: criteria provided, single submitter. Criteria: ACMG Guidelines, 2015. Collection method: clinical testing. Allele origin: germline. Affected: no.

Women's Health and Genetics/Laboratory Corporation of America, LabCorp
Classification: Benign. Last evaluated: 2016-06-27. Review status: criteria provided, single submitter. Criteria: LabCorp Variant Classification Summary - May 2015. Collection method: clinical testing. Allele origin: germline.
Comment: Variant summary: The RAD51C c.195A>G (p.Arg65Arg) variant involves the alteration of a conserved nucleotide, resulting in a synonymous change. One in silico tool predicts a damaging outcome for this variant. 4/5 splice prediction tools predict no significant impact on normal splicing. ESE finder predicts that this variant may affect ESE sites. However, these predictions have yet to be confirmed by functional studies. This variant was found in 354/122132 control chromosomes (13 homozygotes), predominantly observed in the East Asian subpopulation at a frequency of 0.0396715 (343/8646). This frequency is about 635 times the estimated maximal expected allele frequency of a pathogenic RAD51C variant (0.0000625), suggesting this is likely a benign polymorphism found primarily in the populations of East Asian origin. This variant has been reported in HBOC families, without strong evidence for causality. In addition, multiple clinical diagnostic laboratories classified this variant as benign. Taken together, this variant is classified as benign.

Color Diagnostics, LLC DBA Color Health
Classification: Benign for Hereditary cancer-predisposing syndrome. Last evaluated: 2015-04-13. Review status: criteria provided, single submitter. Criteria: ACMG Guidelines, 2015. Collection method: clinical testing. Allele origin: germline.

Ambry Genetics
Classification: Benign for Hereditary cancer-predisposing syndrome. Last evaluated: 2014-11-27. Review status: criteria provided, single submitter. Criteria: Ambry Variant Classification Scheme 2023. Collection method: clinical testing. Allele origin: germline.

GeneDx
Classification: Benign. Last evaluated: 2014-03-05. Review status: criteria provided, single submitter. Criteria: GeneDx Variant Classification (06012015). Collection method: clinical testing. Allele origin: germline. Affected: yes.
Comment: This variant is considered likely benign or benign based on one or more of the following criteria: it is a conservative change, it occurs at a poorly conserved position in the protein, it is predicted to be benign by multiple in silico algorithms, and/or has population frequency not consistent with disease.

Counsyl
Classification: Benign for Fanconi anemia complementation group O. Last evaluated: 2016-05-25. Review status: no assertion criteria provided. Collection method: clinical testing. Allele origin: unknown. Not counted in ClinVar's aggregate classification.

Counsyl
Classification: Benign for Breast-ovarian cancer, familial, susceptibility to, 3. Last evaluated: 2016-05-25. Review status: no assertion criteria provided. Collection method: clinical testing. Allele origin: unknown. Not counted in ClinVar's aggregate classification.

Leiden Open Variation Database
Classification: Likely benign. Last evaluated: 2011-08-25. Review status: no assertion criteria provided. Collection method: curation. Allele origin: germline. Affected: yes. Not counted in ClinVar's aggregate classification.
Comment: Curator: Arleen D. Auerbach. Submitter to LOVD: Ian Campbell.

Clinical Genetics DNA and cytogenetics Diagnostics Lab, Erasmus MC, Erasmus Medical Center
Classification: Benign. Review status: no assertion criteria provided. Collection method: clinical testing. Allele origin: germline. Affected: yes. Study: VKGL Data-share Consensus. Not counted in ClinVar's aggregate classification.

Department of Pathology and Laboratory Medicine, Sinai Health System
Classification: Benign for Malignant tumor of breast. Review status: no assertion criteria provided. Collection method: clinical testing. Allele origin: unknown. Affected: yes. Study: The Canadian Open Genetics Repository (COGR). Not counted in ClinVar's aggregate classification.
Comment: RAD51C, EXON 02, c.195A>G, p.Arg65=, Heterozygous, Benign The RAD51C p.Arg65= variant was identified in 4 of 5232 proband chromosomes (frequency: 0.001) from individuals or families with breast and ovarian cancers of Australian and Danish ethnicity and was not identified in 427 control chromosomes from healthy individuals (Jonson 2015, Thompson 2012). The variant was also identified in dbSNP (ID: rs45511291) as â€šÃ„ÃºWith Likely benign alleleâ€šÃ„Ã¹; in the ClinVar and Clinvitae database as benign by Invitae, GeneDx, Ambry Genetics, and Counsyl, and likely benign by Illumina; and in the LOVD 3.0 database 2X with the following statistical data given: 2 of 1053 (freq.=0.002) and 1 of 134 (freq.0.003). The variant was further identified in the 1000 Genomes Project in 41 of 5000 chromosomes (frequency: 0.001); in HAPMAP-EAS in 40 of 1008 chromosomes (frequency: 0.04), HAPMAP-AFR in 1 of 1322 chromosomes (frequency: 0.0001) and the NHLBI GO Exome Sequencing Project in 1 of 8600 European American and in 5 of 4406 African American alleles. The variant was not identified in the Cosmic and MutDB, databases. The variant was identified in control databases in 773 of 277228 chromosomes at a frequency of 0.003 increasing the likelihood this could be a low frequency benign variant (Genome Aggregation Consortium Feb 27, 2017). The variant was identified in the following population at a frequency greater than 1%: East Asian in 748 of 18868 chromosomes (freq: 0.04). The p.Arg65= variant is not expected to have clinical significance because it does not result in a change of amino acid and is not located in a known consensus splice site. In addition, in silico or computational prediction software programs (SpliceSiteFinder, MaxEntScan, NNSPLICE, GeneSplicer, HumanSpliceFinder) do not predict a difference in splicing. In summary, based on the above information this variant meets our laboratory's criteria to be classified as benign. REFERENCES: Jâˆšâˆnson L, Ahlborn LB, Steffensen AY, Djursby M, Ejlertsen B, Timshel S,Nielsen FC, Gerdes AM, Hansen TV. Identification of six pathogenic RAD51Cmutations via mutational screening of 1228 Danish individuals with increased riskof hereditary breast and/or ovarian cancer. Breast Cancer Res Treat. 2016Jan;155(2):215-22. doi: 10.1007/s10549-015-3674-y. Epub 2016 Jan 6. PubMed PMID: 26740214. Thompson ER, Boyle SE, Johnson J, Ryland GL, Sawyer S, Choong DY, kConFab,Chenevix-Trench G, Trainer AH, Lindeman GJ, Mitchell G, James PA, Campbell IG.Analysis of RAD51C germline mutations in high-risk breast and ovarian cancerfamilies and ovarian cancer patients. Hum Mutat. 2012 Jan;33(1):95-9. doi:10.1002/humu.21625. Epub 2011 Nov 4. PubMed PMID: 21990120.

Joint Genome Diagnostic Labs from Nijmegen and Maastricht, Radboudumc and MUMC+
Classification: Likely benign. Review status: no assertion criteria provided. Collection method: clinical testing. Allele origin: germline. Affected: yes. Study: VKGL Data-share Consensus. Not counted in ClinVar's aggregate classification.

Literature cited by the submitters: PubMed 20697805 (cited by Quest Diagnostics Nichols Institute San Juan Capistrano); PubMed 21537932 (cited by Quest Diagnostics Nichols Institute San Juan Capistrano); PubMed 38509102 (cited by Quest Diagnostics Nichols Institute San Juan Capistrano); PubMed 21990120 (cited by 4 submitters); PubMed 22370629 (cited by Quest Diagnostics Nichols Institute San Juan Capistrano).

NM_058216.3(RAD51C):c.195A>G (p.Arg65=)

Gene: RAD51C (RAD51 paralog C; plus strand). Cytogenetic location: 17q22.
Variant type: single nucleotide variant.
Coding change: c.195A>G on transcript NM_058216.3 (MANE Select); coding-DNA position 195, A replaced by G.
Protein change: p.Arg65=; no amino-acid change (arginine 65 retained).
Molecular consequence: synonymous variant. On other transcripts: non-coding transcript variant (2).
Genome position (GRCh38, 1-based): chr17:58,694,980, A>G. VCF-style: chr17-58694980-A-G. GRCh37 (hg19) VCF-style: chr17-56772341-A-G.
Other names: p.R65R:AGA>AGG; p.Arg65=; c.195A>G, p.Arg65= (NM_002876.4).
Identifiers: ClinVar variation 136157 (VCV000136157.49), dbSNP rs45511291, ClinGen allele CA293994.
Genomic context (GRCh38, chr17:58,694,980, plus strand): 5'-TTTACTTTCAGAAGTTGGGATATCTAAAGCAGAAGCCTTAGAAACTCTGCAAATTATCAG[A>G]AGAGAATGTCTCACAAATAAACCAAGATATGCTGGTACATCTGAGTCACACAAGAAGTGT-3'
Protein context (NP_478123.1, residues 55-75): AEALETLQII[Arg65=]RECLTNKPRY